The following is an entry in ClinVar:

NM_182914.3(SYNE2):c.9430C>T (p.Leu3144Phe)

Gene: SYNE2 (spectrin repeat containing nuclear envelope protein 2; plus strand). Cytogenetic location: 14q23.2.
Variant type: single nucleotide variant.
Coding change: c.9430C>T on transcript NM_182914.3 (MANE Select); coding-DNA position 9430, C replaced by T.
Protein change: p.Leu3144Phe; replaces leucine 3144 with phenylalanine.
Molecular consequence: missense variant.
Genome position (GRCh38, 1-based): chr14:64,053,343, C>T. VCF-style: chr14-64053343-C-T. GRCh37 (hg19) VCF-style: chr14-64520061-C-T.
Other names: c.9430C>T, p.Leu3144Phe (NM_015180.6); short protein forms L3144F.
Identifiers: ClinVar variation 289763 (VCV000289763.38), dbSNP rs886044254, ClinGen allele CA10606537.

ClinVar aggregate classification (germline): Conflicting classifications of pathogenicity. Review status: criteria provided, conflicting classifications (1 of 4 stars). 3 submissions from 3 submitters: Uncertain significance (2); Likely benign (1). Last evaluated 2025-12-24.

Conditions:
Emery-Dreifuss muscular dystrophy 5, autosomal dominant (EDMD5). Also called: EMERY-DREIFUSS MUSCULAR DYSTROPHY 5. Identifiers: Orphanet 261, MedGen C2751805, MONDO:0013072, OMIM 612999.

Allele frequency attached by ClinVar (database versions not stated): gnomAD exomes 0.00002 and 0.00005; gnomAD 0.00004 and 0.00006; TOPMed 0.00007.
gnomAD v4.1: 87 of 1,613,148 alleles (0.0054%); highest among the groups gnomAD compares: Non-Finnish European, 0.0065%; no homozygotes.

Submissions (3):

Labcorp Genetics (formerly Invitae), Labcorp
Classification: Uncertain significance for Emery-Dreifuss muscular dystrophy 5, autosomal dominant. Last evaluated: 2025-12-24. Review status: criteria provided, single submitter. Criteria: Invitae Variant Classification Sherloc (09022015). Collection method: clinical testing. Allele origin: germline.
Comment: This sequence change replaces leucine, which is neutral and non-polar, with phenylalanine, which is neutral and non-polar, at codon 3144 of the SYNE2 protein (p.Leu3144Phe). This variant is present in population databases (no rsID available, gnomAD 0.004%). This variant has not been reported in the literature in individuals affected with SYNE2-related conditions. ClinVar contains an entry for this variant (Variation ID: 289763). An algorithm developed to predict the effect of missense changes on protein structure and function outputs the following: PolyPhen-2: "Benign". The phenylalanine amino acid residue is found in multiple mammalian species, which suggests that this missense change does not adversely affect protein function. In summary, the available evidence is currently insufficient to determine the role of this variant in disease. Therefore, it has been classified as a Variant of Uncertain Significance.

CeGaT Center for Human Genetics Tuebingen
Classification: Likely benign. Last evaluated: 2023-08-01. Review status: criteria provided, single submitter. Criteria: CeGaT Center For Human Genetics Tuebingen Variant Classification Criteria Version 2. Collection method: clinical testing. Allele origin: germline. Affected: yes. Observed: 1 variant allele.
Comment: SYNE2: BP4

Eurofins Ntd Llc (ga)
Classification: Uncertain significance. Last evaluated: 2016-08-02. Review status: criteria provided, single submitter. Criteria: EGL Classification Definitions 2015. Collection method: clinical testing. Allele origin: germline.